The following is an entry in ClinVar:

ClinVar aggregate classification (germline): Uncertain significance. Review status: criteria provided, multiple submitters, no conflicts (2 of 4 stars). 2 submissions from 2 submitters: Uncertain significance (2). Last evaluated 2023-11-20.

Conditions:
Giant axonal neuropathy 1 (GAN1). Also called: GIANT AXONAL NEUROPATHY 1, AUTOSOMAL RECESSIVE; GAN-Related Neurodegeneration. Identifiers: Orphanet 643, MedGen C1850386, MONDO:0009749, OMIM 256850.
Inborn genetic diseases. Identifiers: MedGen C0950123, MeSH D030342.

Allele frequency attached by ClinVar (database versions not stated): TOPMed below 0.00001; ExAC 0.00002.
gnomAD v4.1: 15 of 1,613,840 alleles (0.00093%); highest among the groups gnomAD compares: South Asian, 0.0022%; no homozygotes.

Submissions (2):

Ambry Genetics
Classification: Uncertain significance for Inborn genetic diseases. Last evaluated: 2023-11-20. Review status: criteria provided, single submitter. Criteria: Ambry Variant Classification Scheme 2023. Collection method: clinical testing. Allele origin: germline.

Labcorp Genetics (formerly Invitae), Labcorp
Classification: Uncertain significance for Giant axonal neuropathy 1. Last evaluated: 2022-08-10. Review status: criteria provided, single submitter. Criteria: Invitae Variant Classification Sherloc (09022015). Collection method: clinical testing. Allele origin: germline.
Comment: In summary, the available evidence is currently insufficient to determine the role of this variant in disease. Therefore, it has been classified as a Variant of Uncertain Significance. Algorithms developed to predict the effect of missense changes on protein structure and function (SIFT, PolyPhen-2, Align-GVGD) all suggest that this variant is likely to be tolerated. This variant has not been reported in the literature in individuals affected with GAN-related conditions. This variant is present in population databases (rs765924001, gnomAD 0.04%). This sequence change replaces histidine, which is basic and polar, with arginine, which is basic and polar, at codon 365 of the GAN protein (p.His365Arg).

NM_022041.4(GAN):c.1094A>G (p.His365Arg)

Gene: GAN (gigaxonin; plus strand). Cytogenetic location: 16q23.2.
Variant type: single nucleotide variant.
Coding change: c.1094A>G on transcript NM_022041.4 (MANE Select); coding-DNA position 1094, A replaced by G.
Protein change: p.His365Arg; replaces histidine 365 with arginine.
Molecular consequence: missense variant.
Genome position (GRCh38, 1-based): chr16:81,363,801, A>G. VCF-style: chr16-81363801-A-G. GRCh37 (hg19) VCF-style: chr16-81397406-A-G.
Other names: c.455A>G, p.His152Arg (NM_001377486.1); short protein forms H152R, H365R.
Identifiers: ClinVar variation 2161548 (VCV002161548.5), dbSNP rs765924001, ClinGen allele CA8191625.